The following is an entry in ClinVar:

ClinVar aggregate classification (germline): Likely benign (0 of 4 stars; one submission).

Conditions:
NUP88-related disorder. Also called: NUP88-related condition.

Allele frequency attached by ClinVar (database versions not stated): 1000 Genomes Project 30x 0.00016; 1000 Genomes Project 0.00020; gnomAD exomes 0.00028; ExAC 0.00036; gnomAD 0.00042; ESP Exome Variant Server 0.00046; TOPMed 0.00056.
gnomAD v4.1: 508 of 1,614,040 alleles (0.031%); highest among the groups gnomAD compares: Middle Eastern, 0.15%; no homozygotes.

Submission:

PreventionGenetics, part of Exact Sciences
Classification: Likely benign for NUP88-related condition. Last evaluated: 2022-02-21. Review status: no assertion criteria provided. Collection method: clinical testing. Allele origin: germline.
Comment: This variant is classified as likely benign based on ACMG/AMP sequence variant interpretation guidelines (Richards et al. 2015 PMID: 25741868, with internal and published modifications).

NM_002532.6(NUP88):c.1574C>T (p.Thr525Ile)

Gene: NUP88 (nucleoporin 88; minus strand). Cytogenetic location: 17p13.2.
Variant type: single nucleotide variant.
Coding change: c.1574C>T on transcript NM_002532.6 (MANE Select); coding-DNA position 1574, C replaced by T.
Protein change: p.Thr525Ile; replaces threonine 525 with isoleucine.
Molecular consequence: missense variant.
Genome position (GRCh38, 1-based): chr17:5,388,871, G>A on the plus strand (C>T on the coding strand, the complement: NUP88 is on the minus strand). VCF-style: chr17-5388871-G-A. GRCh37 (hg19) VCF-style: chr17-5292191-G-A.
Other names: c.1574C>T, p.Thr525Ile (NM_001320653.2); short protein forms T525I.
Identifiers: ClinVar variation 3054856 (VCV003054856.2), dbSNP rs1806229, ClinGen allele CA8324218.